The following is an entry in ClinVar:

ClinVar aggregate classification (germline): Pathogenic (1 of 4 stars; one submission).

Submission:

Mayo Clinic Laboratories, Mayo Clinic
Classification: Pathogenic. Last evaluated: 2021-07-19. Review status: criteria provided, single submitter. Criteria: ACMG Guidelines, 2015. Collection method: clinical testing. Allele origin: germline.
Comment: PVS1, PM2, PP4

Literature cited by the submitters: PubMed 17259292.

NM_004006.3(DMD):c.8074C>T (p.Gln2692Ter)

Gene: DMD (dystrophin; minus strand). Cytogenetic location: Xp21.1.
Variant type: single nucleotide variant.
Coding change: c.8074C>T on transcript NM_004006.3 (MANE Select); coding-DNA position 8074, C replaced by T.
Protein change: p.Gln2692Ter; replaces glutamine 2692 with a stop codon.
Molecular consequence: nonsense.
Genome position (GRCh38, 1-based): chrX:31,627,816, G>A on the plus strand (C>T on the coding strand, the complement: DMD is on the minus strand). VCF-style: chrX-31627816-G-A. GRCh37 (hg19) VCF-style: chrX-31645933-G-A.
Other names: p.Gln2692*; c.8050C>T, p.Gln2684Ter (NM_000109.4); c.8062C>T, p.Gln2688Ter (NM_004009.3); c.7705C>T, p.Gln2569Ter (NM_004010.3); c.4051C>T, p.Gln1351Ter (NM_004011.4); c.4042C>T, p.Gln1348Ter (NM_004012.4); c.694C>T, p.Gln232Ter (NM_004013.3, NM_004020.4, NM_004021.3 and 2 more transcripts); short protein forms Q1348*, Q1351*, Q232*, Q2569*, Q2684*, Q2688*, Q2692*.
Identifiers: ClinVar variation 1322638 (VCV001322638.6), dbSNP rs2148423120, ClinGen allele CA412657360.